The following is an entry in ClinVar:

NM_015072.5(TTLL5):c.1642T>C (p.Ser548Pro)

Gene: TTLL5 (tubulin tyrosine ligase like 5; plus strand). Cytogenetic location: 14q24.3.
Variant type: single nucleotide variant.
Coding change: c.1642T>C on transcript NM_015072.5 (MANE Select); coding-DNA position 1642, T replaced by C.
Protein change: p.Ser548Pro; replaces serine 548 with proline.
Molecular consequence: missense variant.
Genome position (GRCh38, 1-based): chr14:75,764,706, T>C. VCF-style: chr14-75764706-T-C. GRCh37 (hg19) VCF-style: chr14-76231049-T-C.
Other names: short protein forms S548P.
Identifiers: ClinVar variation 1945457 (VCV001945457.5), dbSNP rs749261481, ClinGen allele CA263694025.

ClinVar aggregate classification (germline): Uncertain significance (1 of 4 stars; one submission).

Allele frequency attached by ClinVar (database versions not stated): gnomAD exomes 0.00002.
gnomAD v4.1: 24 of 1,614,146 alleles (0.0015%); highest among the groups gnomAD compares: Non-Finnish European, 0.0019%; no homozygotes.

Submission:

Labcorp Genetics (formerly Invitae), Labcorp
Classification: Uncertain significance. Last evaluated: 2022-08-09. Review status: criteria provided, single submitter. Criteria: Invitae Variant Classification Sherloc (09022015). Collection method: clinical testing. Allele origin: germline.
Comment: In summary, the available evidence is currently insufficient to determine the role of this variant in disease. Therefore, it has been classified as a Variant of Uncertain Significance. Algorithms developed to predict the effect of missense changes on protein structure and function are either unavailable or do not agree on the potential impact of this missense change (SIFT: "Deleterious"; PolyPhen-2: "Possibly Damaging"; Align-GVGD: "Class C0"). This variant has not been reported in the literature in individuals affected with TTLL5-related conditions. This variant is not present in population databases (gnomAD no frequency). This sequence change replaces serine, which is neutral and polar, with proline, which is neutral and non-polar, at codon 548 of the TTLL5 protein (p.Ser548Pro).